The following is an entry in ClinVar:

NM_003906.5(MCM3AP):c.4118C>T (p.Ser1373Phe)

Genes: MCM3AP (minichromosome maintenance complex component 3 associated protein; minus strand), LOC130066871 (ATAC-STARR-seq lymphoblastoid active region 18599; plus strand). Cytogenetic location: 21q22.3.
Variant type: single nucleotide variant.
Coding change: c.4118C>T on transcript NM_003906.5 (MANE Select); coding-DNA position 4118, C replaced by T.
Protein change: p.Ser1373Phe; replaces serine 1373 with phenylalanine.
Molecular consequence: missense variant.
Genome position (GRCh38, 1-based): chr21:46,254,410, G>A on the plus strand (C>T on the coding strand, the complement: MCM3AP is on the minus strand). VCF-style: chr21-46254410-G-A. GRCh37 (hg19) VCF-style: chr21-47674324-G-A.
Other names: short protein forms S1373F.
Identifiers: ClinVar variation 4887385 (VCV004887385.1).

ClinVar aggregate classification (germline): Uncertain significance (1 of 4 stars; one submission).

gnomAD v4.1: 23 of 1,614,040 alleles (0.0014%); highest among the groups gnomAD compares: Non-Finnish European, 0.0019%; no homozygotes.

Submission:

Women's Health and Genetics/Laboratory Corporation of America, LabCorp
Classification: Uncertain significance. Last evaluated: 2026-06-10. Review status: criteria provided, single submitter. Criteria: LabCorp Variant Classification Summary - May 2015. Collection method: clinical testing. Allele origin: germline.
Comment: Variant summary: MCM3AP c.4118C>T (p.Ser1373Phe) results in a non-conservative amino acid change in the encoded protein sequence. Algorithms developed to predict the effect of missense changes on protein structure and function are either unavailable or do not agree on the potential impact of this missense change. The variant allele was found at a frequency of 4e-06 in 251426 control chromosomes. The available data on variant occurrences in the general population are insufficient to allow any conclusion about variant significance. To our knowledge, no occurrence of c.4118C>T in individuals affected with MCM3AP-related conditions and no experimental evidence demonstrating its impact on protein function have been reported. No submitters have cited clinical-significance assessments for this variant to ClinVar. Based on the evidence outlined above, the variant was classified as uncertain significance.